The following is an entry in ClinVar:

ClinVar aggregate classification (germline): Uncertain significance (1 of 4 stars; one submission).

Submission:

Labcorp Genetics (formerly Invitae), Labcorp
Classification: Uncertain significance. Last evaluated: 2024-08-01. Review status: criteria provided, single submitter. Criteria: Invitae Variant Classification Sherloc (09022015). Collection method: clinical testing. Allele origin: germline.
Comment: This sequence change replaces methionine, which is neutral and non-polar, with arginine, which is basic and polar, at codon 405 of the POLE protein (p.Met405Arg). This variant is not present in population databases (gnomAD no frequency). This variant has not been reported in the literature in individuals affected with POLE-related conditions. ClinVar contains an entry for this variant (Variation ID: 651380). Advanced modeling of protein sequence and biophysical properties (such as structural, functional, and spatial information, amino acid conservation, physicochemical variation, residue mobility, and thermodynamic stability) performed at Invitae indicates that this missense variant is expected to disrupt POLE protein function with a positive predictive value of 80%. In summary, the available evidence is currently insufficient to determine the role of this variant in disease. Therefore, it has been classified as a Variant of Uncertain Significance.

NM_006231.4(POLE):c.1214T>G (p.Met405Arg)

Gene: POLE (DNA polymerase epsilon, catalytic subunit; minus strand). Cytogenetic location: 12q24.33.
Variant type: single nucleotide variant.
Coding change: c.1214T>G on transcript NM_006231.4 (MANE Select); coding-DNA position 1214, T replaced by G.
Protein change: p.Met405Arg; replaces methionine 405 with arginine.
Molecular consequence: missense variant.
Genome position (GRCh38, 1-based): chr12:132,675,410, A>C on the plus strand (T>G on the coding strand, the complement: POLE is on the minus strand). VCF-style: chr12-132675410-A-C. GRCh37 (hg19) VCF-style: chr12-133251996-A-C.
Other names: short protein forms M405R.
Identifiers: ClinVar variation 651380 (VCV000651380.8), dbSNP rs1593076689, ClinGen allele CA387360709.